The following is an entry in ClinVar:

ClinVar aggregate classification (germline): Uncertain significance (1 of 4 stars; one submission).

gnomAD v4.1: 12 of 1,457,216 alleles (0.00082%); highest among the groups gnomAD compares: Admixed American, 0.013%; no homozygotes.

Submission:

Labcorp Genetics (formerly Invitae), Labcorp
Classification: Uncertain significance. Last evaluated: 2024-03-04. Review status: criteria provided, single submitter. Criteria: Invitae Variant Classification Sherloc (09022015). Collection method: clinical testing. Allele origin: germline.
Comment: This sequence change replaces glycine, which is neutral and non-polar, with serine, which is neutral and polar, at codon 130 of the DMRT2 protein (p.Gly130Ser). The frequency data for this variant in the population databases is considered unreliable, as metrics indicate poor data quality at this position in the gnomAD database. This variant has not been reported in the literature in individuals affected with DMRT2-related conditions. An algorithm developed to predict the effect of missense changes on protein structure and function (PolyPhen-2) suggests that this variant is likely to be disruptive. In summary, the available evidence is currently insufficient to determine the role of this variant in disease. Therefore, it has been classified as a Variant of Uncertain Significance.

NM_181872.6(DMRT2):c.388G>A (p.Gly130Ser)

Gene: DMRT2 (doublesex and mab-3 related transcription factor 2; plus strand). Cytogenetic location: 9p24.3.
Variant type: single nucleotide variant.
Coding change: c.388G>A on transcript NM_181872.6 (MANE Select); coding-DNA position 388, G replaced by A.
Protein change: p.Gly130Ser; replaces glycine 130 with serine.
Molecular consequence: missense variant. On other transcripts: 5 prime UTR variant (1), non-coding transcript variant (1).
Genome position (GRCh38, 1-based): chr9:1,052,001, G>A. VCF-style: chr9-1052001-G-A. GRCh37 (hg19) VCF-style: chr9-1052001-G-A.
Other names: c.388G>A, p.Gly130Ser (NM_001130865.3, NM_001370531.1, NM_001370533.1 and 4 more transcripts); c.-263G>A (NM_001370532.1); short protein forms G130S.
Identifiers: ClinVar variation 3610391 (VCV003610391.2).